The following is an entry in ClinVar:

NM_005097.4(LGI1):c.821A>G (p.Asn274Ser)

Gene: LGI1 (leucine rich glioma inactivated 1; plus strand). Cytogenetic location: 10q23.33.
Variant type: single nucleotide variant.
Coding change: c.821A>G on transcript NM_005097.4 (MANE Select); coding-DNA position 821, A replaced by G.
Protein change: p.Asn274Ser; replaces asparagine 274 with serine.
Molecular consequence: missense variant. On other transcripts: non-coding transcript variant (1).
Genome position (GRCh38, 1-based): chr10:93,793,333, A>G. VCF-style: chr10-93793333-A-G. GRCh37 (hg19) VCF-style: chr10-95553090-A-G.
Other names: c.821A>G, p.Asn274Ser (NM_001308275.2); c.677A>G, p.Asn226Ser (NM_001308276.2); short protein forms N226S, N274S.
Identifiers: ClinVar variation 2419507 (VCV002419507.6), dbSNP rs2059952185, ClinGen allele CA377624567.

ClinVar aggregate classification (germline): Uncertain significance (1 of 4 stars; one submission).

Conditions:
Autosomal dominant epilepsy with auditory features. Identifiers: Orphanet 101046, MedGen C1838062, MONDO:0010898.

Allele frequency attached by ClinVar (database versions not stated): gnomAD exomes below 0.00001; TOPMed below 0.00001; gnomAD 0.00001.
gnomAD v4.1: 2 of 1,613,834 alleles (0.00012%); highest among the groups gnomAD compares: African/African-American, 0.0027%; no homozygotes.

Submission:

Labcorp Genetics (formerly Invitae), Labcorp
Classification: Uncertain significance for Autosomal dominant epilepsy with auditory features. Last evaluated: 2023-07-25. Review status: criteria provided, single submitter. Criteria: Invitae Variant Classification Sherloc (09022015). Collection method: clinical testing. Allele origin: germline.
Comment: In summary, the available evidence is currently insufficient to determine the role of this variant in disease. Therefore, it has been classified as a Variant of Uncertain Significance. Advanced modeling of protein sequence and biophysical properties (such as structural, functional, and spatial information, amino acid conservation, physicochemical variation, residue mobility, and thermodynamic stability) performed at Invitae indicates that this missense variant is not expected to disrupt LGI1 protein function. ClinVar contains an entry for this variant (Variation ID: 2419507). This variant has not been reported in the literature in individuals affected with LGI1-related conditions. This variant is not present in population databases (gnomAD no frequency). This sequence change replaces asparagine, which is neutral and polar, with serine, which is neutral and polar, at codon 274 of the LGI1 protein (p.Asn274Ser).